The following is an entry in ClinVar:

NM_017636.4(TRPM4):c.635G>A (p.Arg212Gln)

Gene: TRPM4 (transient receptor potential cation channel subfamily M member 4; plus strand). Cytogenetic location: 19q13.33.
Variant type: single nucleotide variant.
Coding change: c.635G>A on transcript NM_017636.4 (MANE Select); coding-DNA position 635, G replaced by A.
Protein change: p.Arg212Gln; replaces arginine 212 with glutamine.
Molecular consequence: missense variant. On other transcripts: 5 prime UTR variant (2).
Genome position (GRCh38, 1-based): chr19:49,168,575, G>A. VCF-style: chr19-49168575-G-A. GRCh37 (hg19) VCF-style: chr19-49671832-G-A.
Other names: c.635G>A, p.Arg212Gln (NM_001195227.2); c.290G>A, p.Arg97Gln (NM_001321281.2); c.-919G>A (NM_001321282.2); c.113G>A, p.Arg38Gln (NM_001321283.2); c.-215G>A (NM_001321285.2); short protein forms R212Q, R38Q, R97Q.
Identifiers: ClinVar variation 450673 (VCV000450673.11), dbSNP rs183306159, ClinGen allele CA9568898.

ClinVar aggregate classification (germline): Conflicting classifications of pathogenicity. Review status: criteria provided, conflicting classifications (1 of 4 stars). 4 submissions from 4 submitters: Uncertain significance (3); Likely benign (1). Last evaluated 2025-06-13.

Conditions:
Cardiovascular phenotype. Identifiers: MedGen CN230736.
Progressive familial heart block type IB (PFHB1B). Identifiers: Orphanet 871, MedGen C1970298, MONDO:0011474, OMIM 604559.
Erythrokeratodermia variabilis et progressiva 6. Identifiers: MedGen C5193144, MONDO:0032801, OMIM 618531.

Allele frequency attached by ClinVar (database versions not stated): gnomAD 0.00001 and 0.00002; gnomAD exomes 0.00001 and 0.00003; TOPMed 0.00001; ExAC 0.00002; 1000 Genomes Project 30x 0.00016; 1000 Genomes Project 0.00020.
gnomAD v4.1: 21 of 1,613,860 alleles (0.0013%); highest among the groups gnomAD compares: Middle Eastern, 0.016%; no homozygotes.

Submissions (4):

Labcorp Genetics (formerly Invitae), Labcorp
Classification: Uncertain significance for Progressive familial heart block type IB. Last evaluated: 2025-06-13. Review status: criteria provided, single submitter. Criteria: Invitae Variant Classification Sherloc (09022015). Collection method: clinical testing. Allele origin: germline.
Comment: This sequence change replaces arginine, which is basic and polar, with glutamine, which is neutral and polar, at codon 212 of the TRPM4 protein (p.Arg212Gln). This variant is present in population databases (rs183306159, gnomAD 0.03%). This missense change has been observed in individual(s) with Brugada syndrome (PMID: 30847666). ClinVar contains an entry for this variant (Variation ID: 450673). An algorithm developed to predict the effect of missense changes on protein structure and function outputs the following: PolyPhen-2: "Benign". The glutamine amino acid residue is found in multiple mammalian species, which suggests that this missense change does not adversely affect protein function. In summary, the available evidence is currently insufficient to determine the role of this variant in disease. Therefore, it has been classified as a Variant of Uncertain Significance.

GeneDx
Classification: Uncertain significance. Last evaluated: 2025-02-20. Review status: criteria provided, single submitter. Criteria: GeneDx Variant Classification Process June 2021. Collection method: clinical testing. Allele origin: germline. Affected: yes.
Comment: Identified in a patient with Brugada syndrome in published literature (PMID: 30847666); Not observed at significant frequency in large population cohorts (gnomAD); In silico analysis indicates that this missense variant does not alter protein structure/function; This variant is associated with the following publications: (PMID: 25299611, 30847666)

Ambry Genetics
Classification: Likely benign for Cardiovascular phenotype. Last evaluated: 2024-01-08. Review status: criteria provided, single submitter. Criteria: Ambry Variant Classification Scheme 2023. Collection method: clinical testing. Allele origin: germline.

Fulgent Genetics
Classification: Uncertain significance for Progressive familial heart block type IB; Erythrokeratodermia variabilis et progressiva 6. Last evaluated: 2021-08-21. Review status: criteria provided, single submitter. Criteria: ACMG Guidelines, 2015. Collection method: clinical testing. Allele origin: unknown.

Literature cited by the submitters: PubMed 30847666 (cited by Labcorp Genetics (formerly Invitae), Labcorp and Ambry Genetics).